The following is an entry in ClinVar:

ClinVar aggregate classification (germline): Pathogenic (0 of 4 stars; one submission).

Conditions:
Autosomal recessive nonsyndromic hearing loss 7. Also called: DEAFNESS, AUTOSOMAL RECESSIVE 11. Identifiers: Orphanet 90636, MedGen C1832978, MONDO:0010967, OMIM 600974.

Submission:

Laboratory of Prof. Karen Avraham, Tel Aviv University
Classification: Pathogenic for Autosomal recessive nonsyndromic hearing loss 7. Last evaluated: 2016-02-19. Review status: no assertion criteria provided. Collection method: research. Allele origin: germline. Affected: yes.
Comment: Congenital, profound HL

NSHL; recessive, DFNB7

NM_138691.2(TMC1):c.[1210T>C];[1939T>C]

Variant type: CompoundHeterozygote.
Identifiers: ClinVar variation 424814 (VCV000424814.2).